The following is an entry in ClinVar:

ClinVar aggregate classification (germline): Uncertain significance (1 of 4 stars; one submission).

Conditions:
Leber congenital amaurosis 1 (LCA1). Also called: AMAUROSIS CONGENITA OF LEBER I; Congenital absence of the rods and cones; Leber's congenital tapetoretinal degeneration; Leber's congenital tapetoretinal dysplasia; RETINAL BLINDNESS, CONGENITAL. Identifiers: Orphanet 65, MedGen C2931258, MONDO:0008764, OMIM 204000.
Cone-rod dystrophy 6 (CORD6). Also called: Cone dystrophy progressive; RETINAL CONE DYSTROPHY 2. Identifiers: Orphanet 1872, MedGen C1866293, MONDO:0011143, OMIM 601777.

Submission:

Labcorp Genetics (formerly Invitae), Labcorp
Classification: Uncertain significance for Leber congenital amaurosis 1; Cone-rod dystrophy 6. Last evaluated: 2019-09-26. Review status: criteria provided, single submitter. Criteria: Invitae Variant Classification Sherloc (09022015). Collection method: clinical testing. Allele origin: germline.
Comment: This sequence change replaces asparagine with serine at codon 614 of the GUCY2D protein (p.Asn614Ser). The asparagine residue is weakly conserved and there is a small physicochemical difference between asparagine and serine. In summary, the available evidence is currently insufficient to determine the role of this variant in disease. Therefore, it has been classified as a Variant of Uncertain Significance. Algorithms developed to predict the effect of missense changes on protein structure and function are either unavailable or do not agree on the potential impact of this missense change (SIFT: "Deleterious"; PolyPhen-2: "Benign"; Align-GVGD: "Class C0"). This variant has not been reported in the literature in individuals with GUCY2D-related conditions. This variant is not present in population databases (ExAC no frequency).

NM_000180.4(GUCY2D):c.1841A>G (p.Asn614Ser)

Gene: GUCY2D (guanylate cyclase 2D, retinal; plus strand). Cytogenetic location: 17p13.1.
Variant type: single nucleotide variant.
Coding change: c.1841A>G on transcript NM_000180.4 (MANE Select); coding-DNA position 1841, A replaced by G.
Protein change: p.Asn614Ser; replaces asparagine 614 with serine.
Molecular consequence: missense variant.
Genome position (GRCh38, 1-based): chr17:8,012,235, A>G. VCF-style: chr17-8012235-A-G. GRCh37 (hg19) VCF-style: chr17-7915553-A-G.
Other names: short protein forms N614S.
Identifiers: ClinVar variation 938638 (VCV000938638.9), dbSNP rs1975865453, ClinGen allele CA397951503.